The following is an entry in ClinVar:

NM_020779.4(WDR35):c.1854T>G (p.Ile618Met)

Gene: WDR35 (WD repeat domain 35; minus strand). Cytogenetic location: 2p24.1.
Variant type: single nucleotide variant.
Coding change: c.1854T>G on transcript NM_020779.4 (MANE Select); coding-DNA position 1854, T replaced by G.
Protein change: p.Ile618Met; replaces isoleucine 618 with methionine.
Molecular consequence: missense variant.
Genome position (GRCh38, 1-based): chr2:19,941,831, A>C on the plus strand (T>G on the coding strand, the complement: WDR35 is on the minus strand). VCF-style: chr2-19941831-A-C. GRCh37 (hg19) VCF-style: chr2-20141592-A-C.
Other names: c.1887T>G, p.Ile629Met (NM_001006657.2); c.1887T>G (NM_001006657.1); short protein forms I618M, I629M.
Identifiers: ClinVar variation 1330833 (VCV001330833.8), dbSNP rs767714993, ClinGen allele CA43401180.
Genomic context (GRCh38, chr2:19,941,831, plus strand): 5'-ATCCAAAAGAACAGATTTAATTTCTAAATCCTCAAAATTACAAATATATCCAGAGGTCTG[A>C]ATGGGTTCCTTTAAAGACAAAAAAAAAGTTATGTTTCATTATGCAAAATTTCCTCTCTTT-3'
Protein context (NP_065830.2, residues 608-628): VFRNLDPEEP[Ile618Met]QTSGYICNFE

ClinVar aggregate classification (germline): Uncertain significance. Review status: criteria provided, multiple submitters, no conflicts (2 of 4 stars). 2 submissions from 2 submitters: Uncertain significance (2). Last evaluated 2024-12-31.

Conditions:
Inborn genetic diseases. Identifiers: MedGen C0950123, MeSH D030342.

Allele frequency attached by ClinVar (database versions not stated): gnomAD exomes below 0.00001 and 0.00002; gnomAD 0.00001; TOPMed 0.00002.
gnomAD v4.1: 27 of 1,572,402 alleles (0.0017%); highest among the groups gnomAD compares: Non-Finnish European, 0.0023%; no homozygotes.

Submissions (2):

Ambry Genetics
Classification: Uncertain significance for Inborn genetic diseases. Last evaluated: 2024-12-31. Review status: criteria provided, single submitter. Criteria: Ambry Variant Classification Scheme 2023. Collection method: clinical testing. Allele origin: germline.

ARUP Laboratories, Molecular Genetics and Genomics, ARUP Laboratories
Classification: Uncertain significance. Last evaluated: 2021-10-23. Review status: criteria provided, single submitter. Criteria: ARUP Molecular Germline Variant Investigation Process 2021. Collection method: clinical testing. Allele origin: germline.
Comment: The WDR35 c.1887T>G; p.Ile629Met variant (rs767714993), to our knowledge, is not reported in the medical literature or gene specific databases. This variant is only observed on one allele in the Genome Aggregation Database, indicating it is not a common polymorphism. The isoleucine at codon 629 is moderately conserved, and computational analyses are uncertain whether this variant is neutral or deleterious (REVEL: 0.62). Due to limited information, the clinical significance of the p.Ile629Met variant is uncertain at this time.